The following is an entry in ClinVar:

ClinVar aggregate classification (germline): Pathogenic/Likely pathogenic. Review status: criteria provided, multiple submitters, no conflicts (2 of 4 stars). 6 submissions from 6 submitters: Pathogenic (2); Likely pathogenic (2). 2 of the submissions do not count toward it. Last evaluated 2024-02-22.

Conditions:
Congenital stationary night blindness 2A (CSNB2A). Also called: NIGHT BLINDNESS, CONGENITAL STATIONARY, TYPE 2; CACNA1F-Related X-Linked Congenital Stationary Night Blindness; CSNB, INCOMPLETE, X-LINKED; Night blindness, congenital stationary (incomplete), 2A, X-linked. Identifiers: Orphanet 215, MedGen C1848172, MONDO:0010241, OMIM 300071.
X-linked cone-rod dystrophy 3 (CORDX3). Identifiers: Orphanet 1872, MedGen C1845407, MONDO:0010335, OMIM 300476.
CACNA1F-related disorder. Also called: CACNA1F-related condition.

Allele frequency attached by ClinVar (database versions not stated): gnomAD exomes below 0.00001; gnomAD 0.00002; TOPMed 0.00004.

Submissions (6):

3billion
Classification: Likely pathogenic for X-linked cone-rod dystrophy 3. Last evaluated: 2024-02-22. Review status: criteria provided, single submitter. Criteria: ACMG Guidelines, 2015. Collection method: clinical testing. Allele origin: germline. Affected: yes.
Comment: The variant is not observed in the gnomAD v2.1.1 dataset. Predicted Consequence/Location: The majority of the known disease-causing variants of this gene are variants expected to result in premature termination of the protein. In silico tool predictions suggest damaging effect of the variant on gene or gene product [REVEL: 0.93 (>=0.6, sensitivity 0.68 and specificity 0.92); 3Cnet: 0.80 (>=0.6, sensitivity 0.72 and precision 0.9)]. Same nucleotide change resulting in same amino acid change has been previously reported as pathogenic/likely pathogenic with strong evidence (ClinVar ID: VCV001074712 /PMID: 12111638). A different missense change at the same codon (p.Gly1007Glu) has been reported to be associated with CACNA1F related disorder (ClinVar ID: VCV000420802). Therefore, this variant is classified as Likely pathogenic according to the recommendation of ACMG/AMP guideline.

Labcorp Genetics (formerly Invitae), Labcorp
Classification: Pathogenic. Last evaluated: 2023-06-15. Review status: criteria provided, single submitter. Criteria: Invitae Variant Classification Sherloc (09022015). Collection method: clinical testing. Allele origin: germline.
Comment: This sequence change replaces glycine, which is neutral and non-polar, with arginine, which is basic and polar, at codon 1018 of the CACNA1F protein (p.Gly1018Arg). This variant is not present in population databases (gnomAD no frequency). This missense change has been observed in individual(s) with congenital stationary night blindness (PMID: 12111638, 19578023, 23714322). In at least one individual the variant was observed to be de novo. This variant is also known as c.3019G>A (p.Gly1007Arg). ClinVar contains an entry for this variant (Variation ID: 1074712). Advanced modeling of protein sequence and biophysical properties (such as structural, functional, and spatial information, amino acid conservation, physicochemical variation, residue mobility, and thermodynamic stability) performed at Invitae indicates that this missense variant is expected to disrupt CACNA1F protein function. Experimental studies have shown that this missense change affects CACNA1F function (PMID: 17949918). Algorithms developed to predict the effect of sequence changes on RNA splicing suggest that this variant may create or strengthen a splice site. For these reasons, this variant has been classified as Pathogenic.

Blueprint Genetics
Classification: Pathogenic for CACNA1F-related disorders. Last evaluated: 2022-06-13. Review status: criteria provided, single submitter. Criteria: ACMG Guidelines, 2015. Collection method: clinical testing. Allele origin: germline. Affected: yes. Observed: 5 variant alleles.

Genetics and Molecular Pathology, SA Pathology
Classification: Likely pathogenic for Congenital stationary night blindness 2A. Last evaluated: 2022-01-21. Review status: criteria provided, single submitter. Criteria: ACMG Guidelines, 2015. Collection method: clinical testing. Allele origin: germline. Inheritance: X-linked inheritance. Affected: yes.

Clinical Genetics DNA and cytogenetics Diagnostics Lab, Erasmus MC, Erasmus Medical Center
Classification: Pathogenic. Review status: no assertion criteria provided. Collection method: clinical testing. Allele origin: germline. Affected: yes. Study: VKGL Data-share Consensus. Not counted in ClinVar's aggregate classification.

Clinical Genetics, Academic Medical Center
Classification: Likely pathogenic. Review status: no assertion criteria provided. Collection method: clinical testing. Allele origin: germline. Affected: yes. Study: VKGL Data-share Consensus. Not counted in ClinVar's aggregate classification.

Literature cited by the submitters: PubMed 12111638 (cited by 3billion and Labcorp Genetics (formerly Invitae), Labcorp); PubMed 19578023 (cited by Labcorp Genetics (formerly Invitae), Labcorp); PubMed 23714322 (cited by Labcorp Genetics (formerly Invitae), Labcorp); PubMed 17949918 (cited by Labcorp Genetics (formerly Invitae), Labcorp).

NM_001256789.3(CACNA1F):c.3019G>A (p.Gly1007Arg)

Gene: CACNA1F (calcium voltage-gated channel subunit alpha1 F; minus strand). Cytogenetic location: Xp11.23.
Variant type: single nucleotide variant.
Coding change: c.3019G>A on transcript NM_001256789.3 (MANE Select); coding-DNA position 3019, G replaced by A.
Protein change: p.Gly1007Arg; replaces glycine 1007 with arginine.
Molecular consequence: missense variant.
Genome position (GRCh38, 1-based): chrX:49,217,915, C>T on the plus strand (G>A on the coding strand, the complement: CACNA1F is on the minus strand). VCF-style: chrX-49217915-C-T. GRCh37 (hg19) VCF-style: chrX-49074374-C-T.
Other names: c.2857G>A, p.Gly953Arg (NM_001256790.3); c.3052G>A, p.Gly1018Arg (NM_005183.4); short protein forms G1007R, G1018R, G953R.
Identifiers: ClinVar variation 1074712 (VCV001074712.16), dbSNP rs1249437161, ClinGen allele CA412964355.